The following is an entry in ClinVar:

ClinVar aggregate classification (germline): Uncertain significance (1 of 4 stars; one submission).

gnomAD v4.1: 19 of 1,609,504 alleles (0.0012%); highest among the groups gnomAD compares: African/African-American, 0.0053%; no homozygotes.

Submission:

Labcorp Genetics (formerly Invitae), Labcorp
Classification: Uncertain significance. Last evaluated: 2024-10-19. Review status: criteria provided, single submitter. Criteria: Invitae Variant Classification Sherloc (09022015). Collection method: clinical testing. Allele origin: germline.
Comment: This sequence change replaces alanine, which is neutral and non-polar, with threonine, which is neutral and polar, at codon 112 of the LMX1B protein (p.Ala112Thr). This variant is present in population databases (rs755877579, gnomAD 0.003%). This variant has not been reported in the literature in individuals affected with LMX1B-related conditions. Invitae Evidence Modeling of protein sequence and biophysical properties (such as structural, functional, and spatial information, amino acid conservation, physicochemical variation, residue mobility, and thermodynamic stability) indicates that this missense variant is not expected to disrupt LMX1B protein function with a negative predictive value of 80%. In summary, the available evidence is currently insufficient to determine the role of this variant in disease. Therefore, it has been classified as a Variant of Uncertain Significance.

NM_001174147.2(LMX1B):c.334G>A (p.Ala112Thr)

Gene: LMX1B (LIM homeobox transcription factor 1 beta; plus strand). Cytogenetic location: 9q33.3.
Variant type: single nucleotide variant.
Coding change: c.334G>A on transcript NM_001174147.2 (MANE Select); coding-DNA position 334, G replaced by A.
Protein change: p.Ala112Thr; replaces alanine 112 with threonine.
Molecular consequence: missense variant.
Genome position (GRCh38, 1-based): chr9:126,690,843, G>A. VCF-style: chr9-126690843-G-A. GRCh37 (hg19) VCF-style: chr9-129453122-G-A.
Other names: c.334G>A, p.Ala112Thr (NM_001174146.2, NM_002316.4); short protein forms A112T.
Identifiers: ClinVar variation 3604982 (VCV003604982.2).